The following is an entry in ClinVar:

ClinVar aggregate classification (germline): Uncertain significance (1 of 4 stars; one submission).

Submission:

Labcorp Genetics (formerly Invitae), Labcorp
Classification: Uncertain significance. Last evaluated: 2021-08-20. Review status: criteria provided, single submitter. Criteria: Invitae Variant Classification Sherloc (09022015). Collection method: clinical testing. Allele origin: germline.
Comment: This sequence change replaces phenylalanine with leucine at codon 509 of the PCDH15 protein (p.Phe509Leu). The phenylalanine residue is highly conserved and there is a small physicochemical difference between phenylalanine and leucine. This variant is not present in population databases (ExAC no frequency). This variant has not been reported in the literature in individuals affected with PCDH15-related conditions. Algorithms developed to predict the effect of missense changes on protein structure and function are either unavailable or do not agree on the potential impact of this missense change (SIFT: "Deleterious"; PolyPhen-2: "Probably Damaging"; Align-GVGD: "Class C0"). In summary, the available evidence is currently insufficient to determine the role of this variant in disease. Therefore, it has been classified as a Variant of Uncertain Significance.

NM_001384140.1(PCDH15):c.1527C>A (p.Phe509Leu)

Gene: PCDH15 (protocadherin related 15; minus strand). Cytogenetic location: 10q21.1.
Variant type: single nucleotide variant.
Coding change: c.1527C>A on transcript NM_001384140.1 (MANE Select); coding-DNA position 1527, C replaced by A.
Protein change: p.Phe509Leu; replaces phenylalanine 509 with leucine.
Molecular consequence: missense variant.
Genome position (GRCh38, 1-based): chr10:54,183,507, G>T on the plus strand (C>A on the coding strand, the complement: PCDH15 is on the minus strand). VCF-style: chr10-54183507-G-T. GRCh37 (hg19) VCF-style: chr10-55943267-G-T.
Other names: c.1542C>A, p.Phe514Leu (NM_001142763.2, NM_001142771.2); c.1527C>A, p.Phe509Leu (NM_001142764.2, NM_001142765.2, NM_001142766.2 and 6 more transcripts); c.1416C>A, p.Phe472Leu (NM_001142767.2); c.1461C>A, p.Phe487Leu (NM_001142768.2, NM_001142773.2, NM_001354404.2); c.1563C>A, p.Phe521Leu (NM_001142769.4); c.1548C>A, p.Phe516Leu (NM_001354411.2); short protein forms F472L, F516L, F521L, F514L, F487L, F509L.
Identifiers: ClinVar variation 1404276 (VCV001404276.5), dbSNP rs2048201312, ClinGen allele CA376514585.